The following is an entry in ClinVar:

NM_003906.5(MCM3AP):c.5236G>A (p.Ala1746Thr)

Genes: MCM3AP (minichromosome maintenance complex component 3 associated protein; minus strand), MCM3AP-AS1 (MCM3AP antisense RNA 1; plus strand). Cytogenetic location: 21q22.3.
Variant type: single nucleotide variant.
Coding change: c.5236G>A on transcript NM_003906.5 (MANE Select); coding-DNA position 5236, G replaced by A.
Protein change: p.Ala1746Thr; replaces alanine 1746 with threonine.
Molecular consequence: missense variant.
Genome position (GRCh38, 1-based): chr21:46,243,525, C>T on the plus strand (G>A on the coding strand, the complement: MCM3AP is on the minus strand). VCF-style: chr21-46243525-C-T. GRCh37 (hg19) VCF-style: chr21-47663439-C-T.
Other names: short protein forms A1746T.
Identifiers: ClinVar variation 1360227 (VCV001360227.3), dbSNP rs147295800, ClinGen allele CA10075922.
Genomic context (GRCh38, chr21:46,243,525, plus strand): 5'-CTGATGTAACAGGAAGCCGGGGGGGCGTCCAGTCTCTCAGCTTGTGGTTGATACACAAGG[C>T]GATAAGATCATCCCATGGGATCTCCATGACCGAGGGGCCTGCCCCATGGACTGGGGAGGG-3'
Protein context (NP_003897.2, residues 1736-1756): VMEIPWDDLI[Ala1746Thr]LCINHKLRDW

ClinVar aggregate classification (germline): Uncertain significance (1 of 4 stars; one submission).

Allele frequency attached by ClinVar (database versions not stated): ExAC 0.00010; gnomAD exomes 0.00010; ESP Exome Variant Server 0.00031; gnomAD 0.00042 and 0.00045; 1000 Genomes Project 30x 0.00047; TOPMed 0.00050; 1000 Genomes Project 0.00060.
gnomAD v4.1: 231 of 1,614,136 alleles (0.014%); highest among the groups gnomAD compares: African/African-American, 0.13%; no homozygotes.

Submission:

Labcorp Genetics (formerly Invitae), Labcorp
Classification: Uncertain significance. Last evaluated: 2022-09-27. Review status: criteria provided, single submitter. Criteria: Invitae Variant Classification Sherloc (09022015). Collection method: clinical testing. Allele origin: germline.
Comment: This sequence change replaces alanine, which is neutral and non-polar, with threonine, which is neutral and polar, at codon 1746 of the MCM3AP protein (p.Ala1746Thr). This variant is present in population databases (rs147295800, gnomAD 0.1%). This variant has not been reported in the literature in individuals affected with MCM3AP-related conditions. ClinVar contains an entry for this variant (Variation ID: 1360227). Algorithms developed to predict the effect of missense changes on protein structure and function output the following: SIFT: "Tolerated"; PolyPhen-2: "Benign"; Align-GVGD: "Class C0". The threonine amino acid residue is found in multiple mammalian species, which suggests that this missense change does not adversely affect protein function. In summary, the available evidence is currently insufficient to determine the role of this variant in disease. Therefore, it has been classified as a Variant of Uncertain Significance.